The following is an entry in ClinVar:

ClinVar aggregate classification (germline): Uncertain significance. Review status: criteria provided, multiple submitters, no conflicts (2 of 4 stars). 2 submissions from 2 submitters: Uncertain significance (2). Last evaluated 2026-07-15.

Conditions:
Hereditary cancer-predisposing syndrome. Also called: Neoplastic Syndromes, Hereditary; Hereditary Cancer Syndrome; Tumor predisposition; Hereditary neoplastic syndrome. Identifiers: Orphanet 140162, MedGen C0027672, MeSH D009386, MONDO:0015356.

Submissions (2):

Ambry Genetics
Classification: Uncertain significance for Hereditary cancer-predisposing syndrome. Last evaluated: 2026-07-15. Review status: criteria provided, single submitter. Criteria: Ambry Variant Classification Scheme 2023. Collection method: clinical testing. Allele origin: germline.
Comment: The p.R511T variant (also known as c.1532G>C), located in coding exon 11 of the BMPR1A gene, results from a G to C substitution at nucleotide position 1532. The arginine at codon 511 is replaced by threonine, an amino acid with similar properties. This variant was reported in individual(s) with features consistent with BMPR1A-related juvenile polyposis syndrome (Ambry internal data). This amino acid position is highly conserved in available vertebrate species. In addition, this alteration is predicted to be deleterious by in silico analysis. Based on the available evidence, the clinical significance of this variant remains unclear.

GeneDx
Classification: Uncertain significance. Last evaluated: 2015-06-25. Review status: criteria provided, single submitter. Criteria: GeneDx Variant Classification (06012015). Collection method: clinical testing. Allele origin: germline. Affected: yes.
Comment: This variant is denoted BMPR1A c.1532G>C at the cDNA level, p.Arg511Thr (R511T) at the protein level, and results in the change of an Arginine to a Threonine (AGA>ACA). This variant has not, to our knowledge, been published in the literature as pathogenic or benign. BMPR1A Arg511Thr was not observed in approximately 6,500 individuals of European and African American ancestry in the NHLBI Exome Sequencing Project, indicating it is not a common benign variant in these populations. Since Arginine and Threonine differ in some properties, this is considered a semi-conservative amino acid substitution. BMPR1A Arg511Thr occurs at a position that is conserved across species and is located in the transmembrane domain (Howe 2004). In silico analyses predict that this variant is probably damaging to protein structure and function. Based on currently available information, it is unclear whether BMPR1A Arg511Thr is pathogenic or benign. We consider it to be a variant of uncertain significance.

NM_004329.3(BMPR1A):c.1532G>C (p.Arg511Thr)

Gene: BMPR1A (bone morphogenetic protein receptor type 1A; plus strand). Cytogenetic location: 10q23.2.
Variant type: single nucleotide variant.
Coding change: c.1532G>C on transcript NM_004329.3 (MANE Select); coding-DNA position 1532, G replaced by C.
Protein change: p.Arg511Thr; replaces arginine 511 with threonine.
Molecular consequence: missense variant.
Genome position (GRCh38, 1-based): chr10:86,923,652, G>C. VCF-style: chr10-86923652-G-C. GRCh37 (hg19) VCF-style: chr10-88683409-G-C.
Other names: short protein forms R511T.
Identifiers: ClinVar variation 419308 (VCV000419308.5), dbSNP rs1064793783, ClinGen allele CA16619013.